The following is an entry in ClinVar:

NM_007078.3(LDB3):c.1877G>A (p.Arg626Lys)

Gene: LDB3 (LIM domain binding 3; plus strand). Cytogenetic location: 10q23.2.
Variant type: single nucleotide variant.
Coding change: c.1877G>A on transcript NM_007078.3 (MANE Select); coding-DNA position 1877, G replaced by A.
Protein change: p.Arg626Lys; replaces arginine 626 with lysine.
Molecular consequence: missense variant.
Genome position (GRCh38, 1-based): chr10:86,718,746, G>A. VCF-style: chr10-86718746-G-A. GRCh37 (hg19) VCF-style: chr10-88478503-G-A.
Other names: c.1547G>A, p.Arg516Lys (NM_001080114.2); c.1892G>A, p.Arg631Lys (NM_001171610.2); c.1688G>A, p.Arg563Lys (NM_001368064.1, NM_001368065.1); c.1736G>A, p.Arg579Lys (NM_001368066.1); short protein forms R631K, R563K, R579K, R516K, R626K.
Identifiers: ClinVar variation 3290355 (VCV003290355.1).

ClinVar aggregate classification (germline): Uncertain significance (1 of 4 stars; one submission).

Conditions:
Cardiovascular phenotype. Identifiers: MedGen CN230736.

Submission:

Ambry Genetics
Classification: Uncertain significance for Cardiovascular phenotype. Last evaluated: 2024-05-19. Review status: criteria provided, single submitter. Criteria: Ambry Variant Classification Scheme 2023. Collection method: clinical testing. Allele origin: germline.
Comment: The p.R626K variant (also known as c.1877G>A), located in coding exon 11 of the LDB3 gene, results from a G to A substitution at nucleotide position 1877. The arginine at codon 626 is replaced by lysine, an amino acid with highly similar properties. This amino acid position is conserved. In addition, the in silico prediction for this alteration is inconclusive. Based on the available evidence, the clinical significance of this variant remains unclear.